The following is an entry in ClinVar:

ClinVar aggregate classification (germline): Uncertain significance (1 of 4 stars; one submission).

Allele frequency attached by ClinVar (database versions not stated): gnomAD exomes below 0.00001; TOPMed below 0.00001; gnomAD 0.00001.
gnomAD v4.1: 2 of 1,613,872 alleles (0.00012%); highest among the groups gnomAD compares: Non-Finnish European, 0.00017%; no homozygotes.

Submission:

Labcorp Genetics (formerly Invitae), Labcorp
Classification: Uncertain significance. Last evaluated: 2021-10-05. Review status: criteria provided, single submitter. Criteria: Invitae Variant Classification Sherloc (09022015). Collection method: clinical testing. Allele origin: germline.
Comment: In summary, the available evidence is currently insufficient to determine the role of this variant in disease. Therefore, it has been classified as a Variant of Uncertain Significance. Algorithms developed to predict the effect of missense changes on protein structure and function output the following: SIFT: "Tolerated"; PolyPhen-2: "Benign"; Align-GVGD: "Class C0". The alanine amino acid residue is found in multiple mammalian species, which suggests that this missense change does not adversely affect protein function. This variant has not been reported in the literature in individuals affected with WHRN-related conditions. This variant is not present in population databases (ExAC no frequency). This sequence change replaces threonine with alanine at codon 268 of the WHRN protein (p.Thr268Ala). The threonine residue is moderately conserved and there is a small physicochemical difference between threonine and alanine.

NM_015404.4(WHRN):c.802A>G (p.Thr268Ala)

Gene: WHRN (whirlin; minus strand). Cytogenetic location: 9q32.
Variant type: single nucleotide variant.
Coding change: c.802A>G on transcript NM_015404.4 (MANE Select); coding-DNA position 802, A replaced by G.
Protein change: p.Thr268Ala; replaces threonine 268 with alanine.
Molecular consequence: missense variant. On other transcripts: 5 prime UTR variant (1).
Genome position (GRCh38, 1-based): chr9:114,478,588, T>C on the plus strand (A>G on the coding strand, the complement: WHRN is on the minus strand). VCF-style: chr9-114478588-T-C. GRCh37 (hg19) VCF-style: chr9-117240868-T-C.
Other names: c.-348A>G (NM_001083885.3); c.802A>G, p.Thr268Ala (NM_001173425.2); short protein forms T268A.
Identifiers: ClinVar variation 1508977 (VCV001508977.6), dbSNP rs1413974305, ClinGen allele CA374621777.